The following is an entry in ClinVar:

ClinVar aggregate classification (germline): Uncertain significance (1 of 4 stars; one submission).

Allele frequency attached by ClinVar (database versions not stated): gnomAD exomes below 0.00001.
gnomAD v4.1: 6 of 1,614,218 alleles (0.00037%); highest among the groups gnomAD compares: Non-Finnish European, 0.00051%; no homozygotes.

Submission:

GeneDx
Classification: Uncertain significance. Last evaluated: 2026-10-06. Review status: criteria provided, single submitter. Criteria: GeneDx Variant Classification Process June 2021. Collection method: clinical testing. Allele origin: germline.
Comment: Not observed at significant frequency in large population cohorts (gnomAD); In silico analysis supports that this missense variant does not alter protein structure/function; Has not been previously published as pathogenic or benign to our knowledge

NM_001033855.3(DCLRE1C):c.1732T>C (p.Tyr578His)

Gene: DCLRE1C (DNA cross-link repair 1C; minus strand). Cytogenetic location: 10p13.
Variant type: single nucleotide variant.
Coding change: c.1732T>C on transcript NM_001033855.3 (MANE Select); coding-DNA position 1732, T replaced by C.
Protein change: p.Tyr578His; replaces tyrosine 578 with histidine.
Molecular consequence: missense variant. On other transcripts: non-coding transcript variant (4).
Genome position (GRCh38, 1-based): chr10:14,908,755, A>G on the plus strand (T>C on the coding strand, the complement: DCLRE1C is on the minus strand). VCF-style: chr10-14908755-A-G. GRCh37 (hg19) VCF-style: chr10-14950754-A-G.
Other names: c.1372T>C, p.Tyr458His (NM_001033857.3, NM_001033858.3, NM_001289077.2 and 2 more transcripts); c.1387T>C, p.Tyr463His (NM_001289076.2, NM_001289078.2, NM_001350966.2 and 1 more transcripts); c.1732T>C, p.Tyr578His (NM_001350965.2); short protein forms Y458H, Y463H, Y578H.
Identifiers: ClinVar variation 2572827 (VCV002572827.2), dbSNP rs370816642, ClinGen allele CA5416423.